The following is an entry in ClinVar:

NM_004329.3(BMPR1A):c.271C>G (p.Gln91Glu)

Gene: BMPR1A (bone morphogenetic protein receptor type 1A; plus strand). Cytogenetic location: 10q23.2.
Variant type: single nucleotide variant.
Coding change: c.271C>G on transcript NM_004329.3 (MANE Select); coding-DNA position 271, C replaced by G.
Protein change: p.Gln91Glu; replaces glutamine 91 with glutamic acid.
Molecular consequence: missense variant. On other transcripts: non-coding transcript variant (3).
Genome position (GRCh38, 1-based): chr10:86,892,167, C>G. VCF-style: chr10-86892167-C-G. GRCh37 (hg19) VCF-style: chr10-88651924-C-G.
Other names: c.271C>G, p.Gln91Glu (NM_001406559.1, NM_001406560.1, NM_001406561.1 and 23 more transcripts); c.187C>G, p.Gln63Glu (NM_001406584.1, NM_001406585.1, NM_001406586.1 and 2 more transcripts); short protein forms Q63E, Q91E.
Identifiers: ClinVar variation 3765900 (VCV003765900.1).

ClinVar aggregate classification (germline): Uncertain significance (1 of 4 stars; one submission).

Submission:

GeneDx
Classification: Uncertain significance. Last evaluated: 2024-09-03. Review status: criteria provided, single submitter. Criteria: GeneDx Variant Classification Process June 2021. Collection method: clinical testing. Allele origin: germline. Affected: yes.
Comment: Not observed at significant frequency in large population cohorts (gnomAD); In silico analysis indicates that this missense variant does not alter protein structure/function; Has not been previously published as pathogenic or benign to our knowledge; This variant is associated with the following publications: (PMID: 22799562, 23433720, 10881198)